The following is an entry in ClinVar:

NM_002474.3(MYH11):c.2652+4_2652+5del

Gene: MYH11 (myosin heavy chain 11; minus strand). Cytogenetic location: 16p13.11.
Variant type: Deletion.
Coding change: c.2652+4_2652+5del on transcript NM_002474.3 (MANE Select); bases 4 to 5 of the intron after coding-DNA position 2652, 2 bases deleted (CC; older notation c.2652+4_2652+5delCC).
Molecular consequence: intron variant.
Genome position (GRCh38, 1-based): chr16:15,741,755-15,741,756, GG deleted on the plus strand (CC on the coding strand, the reverse complement: MYH11 is on the minus strand). VCF-style (leftmost placement, unchanged base first): chr16-15741754-AGG-A. GRCh37 (hg19) VCF-style: chr16-15835611-AGG-A.
Other names: c.2652+4_2652+5del (NM_022844.3); c.2673+4_2673+5del (NM_001040114.2, NM_001040113.2).
Identifiers: ClinVar variation 3075136 (VCV003075136.1), dbSNP rs774287741, ClinGen allele CA7922212.

ClinVar aggregate classification (germline): Uncertain significance (1 of 4 stars; one submission).

Conditions:
Familial thoracic aortic aneurysm and aortic dissection (TAAD). Also called: Thoracic aortic aneurysms and dissections. Identifiers: Orphanet 91387, MedGen C4707243, MONDO:0019625.

Allele frequency attached by ClinVar (database versions not stated): gnomAD exomes below 0.00001; ExAC 0.00001.

Submission:

All of Us Research Program, National Institutes of Health
Classification: Uncertain significance for Familial thoracic aortic aneurysm and aortic dissection. Last evaluated: 2023-12-18. Review status: criteria provided, single submitter. Criteria: ACMG Guidelines, 2015. Collection method: clinical testing. Allele origin: germline. Inheritance: Autosomal dominant inheritance. Observed: 1 variant allele, 1 heterozygote.
Comment: This variant causes deletes two nucleotides in intron 22 of the MYH11 gene. To our knowledge, functional studies have not been reported for this variant. This variant has not been reported in individuals affected with MYH11-related disorders in the literature. This variant has been identified in 1/251466 chromosomes in the general population by the Genome Aggregation Database (gnomAD). The available evidence is insufficient to determine the role of this variant in disease conclusively. Therefore, this variant is classified as a Variant of Uncertain Significance.

This study involves interpretation of variants in research participants for the purpose of population health screening. Participant phenotype was not available at the time of variant classification. Additional details can be found in publication PMID: 35346344, PMCID: PMC8962531